The following is an entry in ClinVar:

NM_001849.4(COL6A2):c.94G>T (p.Glu32Ter)

Gene: COL6A2 (collagen type VI alpha 2 chain; plus strand). Cytogenetic location: 21q22.3.
Variant type: single nucleotide variant.
Coding change: c.94G>T on transcript NM_001849.4 (MANE Select); coding-DNA position 94, G replaced by T.
Protein change: p.Glu32Ter; replaces glutamic acid 32 with a stop codon.
Molecular consequence: nonsense.
Genome position (GRCh38, 1-based): chr21:46,111,570, G>T. VCF-style: chr21-46111570-G-T. GRCh37 (hg19) VCF-style: chr21-47531484-G-T.
Other names: c.94G>T, p.Glu32Ter (NM_058174.3, NM_058175.3); short protein forms E32*.
Identifiers: ClinVar variation 450298 (VCV000450298.2), dbSNP rs547648292, ClinGen allele CA410519570.
Genomic context (GRCh38, chr21:46,111,570, plus strand): 5'-TGGGGAATCCTGGGGGCCATCCAGGCCCAGCAGCAGGAGGTCATCTCGCCGGACACTACC[G>T]AGAGAAACAACAACTGCCCAGGTGCCAGGGGTCGGGGGCCGGGGGCTCTGGGCATTTGGG-3'

ClinVar aggregate classification (germline): Likely pathogenic (1 of 4 stars; one submission).

gnomAD v4.1: 1 of 1,612,784 alleles (0.000062%); highest among the groups gnomAD compares: South Asian, 0.0011%; no homozygotes.

Submission:

GeneDx
Classification: Likely pathogenic. Last evaluated: 2017-07-06. Review status: criteria provided, single submitter. Criteria: GeneDx Variant Classification (06012015). Collection method: clinical testing. Allele origin: germline. Affected: yes.
Comment: A variant that is likely pathogenic has been identified in the COL6A2 gene. The E32X variant is not observed at a significant frequency in large population cohorts (Lek et al., 2016; 1000 Genomes Consortium et al., 2015; Exome Variant Server). The E32X variant is predicted to cause loss of normal protein function either through protein truncation or nonsense-mediated mRNA decay. Although E32X has not been previously reported to our knowledge, other downstream nonsense variants in the COL6A2 gene have been reported in the Human Gene Mutation Database in association with COL6A2-related disorders (Stenson et al., 2014). Therefore, this variant is likely pathogenic; however, the possibility that it is benign cannot be excluded.